The following is an entry in ClinVar:

ClinVar aggregate classification (germline): Uncertain significance (1 of 4 stars; one submission).

Allele frequency attached by ClinVar (database versions not stated): gnomAD exomes below 0.00001; TOPMed below 0.00001; ExAC 0.00001.
gnomAD v4.1: 2 of 1,612,492 alleles (0.00012%); highest among the groups gnomAD compares: Non-Finnish European, 0.00017%; no homozygotes.

Submission:

Labcorp Genetics (formerly Invitae), Labcorp
Classification: Uncertain significance. Last evaluated: 2021-02-19. Review status: criteria provided, single submitter. Criteria: Invitae Variant Classification Sherloc (09022015). Collection method: clinical testing. Allele origin: germline.
Comment: In summary, the available evidence is currently insufficient to determine the role of this variant in disease. Therefore, it has been classified as a Variant of Uncertain Significance. Algorithms developed to predict the effect of missense changes on protein structure and function (SIFT, PolyPhen-2, Align-GVGD) all suggest that this variant is likely to be tolerated, but these predictions have not been confirmed by published functional studies and their clinical significance is uncertain. This variant has not been reported in the literature in individuals with PPIB-related conditions. This sequence change replaces lysine with asparagine at codon 36 of the PPIB protein (p.Lys36Asn). The lysine residue is moderately conserved and there is a moderate physicochemical difference between lysine and asparagine. This variant is present in population databases (rs767692265, ExAC 0.002%).

NM_000942.5(PPIB):c.108G>T (p.Lys36Asn)

Gene: PPIB (peptidylprolyl isomerase B; minus strand). Cytogenetic location: 15q22.31.
Variant type: single nucleotide variant.
Coding change: c.108G>T on transcript NM_000942.5 (MANE Select); coding-DNA position 108, G replaced by T.
Protein change: p.Lys36Asn; replaces lysine 36 with asparagine.
Molecular consequence: missense variant.
Genome position (GRCh38, 1-based): chr15:64,162,879, C>A on the plus strand (G>T on the coding strand, the complement: PPIB is on the minus strand). VCF-style: chr15-64162879-C-A. GRCh37 (hg19) VCF-style: chr15-64455078-C-A.
Other names: short protein forms K36N.
Identifiers: ClinVar variation 1400210 (VCV001400210.8), dbSNP rs767692265, ClinGen allele CA7608619.